The following is an entry in ClinVar:

ClinVar aggregate classification (germline): Pathogenic (1 of 4 stars; one submission).

Conditions:
Neurofibromatosis, type 1 (NF1). Also called: VON RECKLINGHAUSEN DISEASE; NEUROFIBROMATOSIS, TYPE I, SOMATIC; Peripheral type neurofibromatosis; Neurofibromatosis, type I. Identifiers: Orphanet 636, MedGen C0027831, MONDO:0018975, OMIM 162200. Disease mechanism: loss of function.

Submission:

Labcorp Genetics (formerly Invitae), Labcorp
Classification: Pathogenic for Neurofibromatosis, type 1. Last evaluated: 2018-11-08. Review status: criteria provided, single submitter. Criteria: Invitae Variant Classification Sherloc (09022015). Collection method: clinical testing. Allele origin: germline.
Comment: This variant is not present in population databases (ExAC no frequency). For these reasons, this variant has been classified as Pathogenic. Loss-of-function variants in NF1 are known to be pathogenic (PMID: 10712197, 23913538). This variant has not been reported in the literature in individuals with NF1-related disease. This sequence change creates a premature translational stop signal (p.Cys93*) in the NF1 gene. It is expected to result in an absent or disrupted protein product.

Literature cited by the submitters: PubMed 10712197; PubMed 23913538.

NM_001042492.3(NF1):c.279T>A (p.Cys93Ter)

Gene: NF1 (neurofibromin 1; plus strand). Cytogenetic location: 17q11.2.
Variant type: single nucleotide variant.
Coding change: c.279T>A on transcript NM_001042492.3 (MANE Select); coding-DNA position 279, T replaced by A.
Protein change: p.Cys93Ter; replaces cysteine 93 with a stop codon.
Molecular consequence: nonsense.
Genome position (GRCh38, 1-based): chr17:31,159,084, T>A. VCF-style: chr17-31159084-T-A. GRCh37 (hg19) VCF-style: chr17-29486102-T-A.
Other names: c.279T>A, p.Cys93Ter (NM_000267.4, NM_001128147.3); short protein forms C93*.
Identifiers: ClinVar variation 654518 (VCV000654518.5), dbSNP rs1597629882, ClinGen allele CA398989851.
Genomic context (GRCh38, chr17:31,159,084, plus strand): 5'-AGCTGCTGAAAAAAATTTATATCTCTCTCAGTTGATTATATTGGATACACTGGAAAAATG[T>A]CTTGCTGGGGTAAGTAAATTGATCTTAAGTAGGCAGGCTTTGTGAATTTGATCTTGAGAA-3'